The following is an entry in ClinVar:

NM_001372.4(DNAH9):c.7552+1G>A

Gene: DNAH9 (dynein axonemal heavy chain 9; plus strand). Cytogenetic location: 17p12.
Variant type: single nucleotide variant.
Coding change: c.7552+1G>A on transcript NM_001372.4 (MANE Select); the canonical splice donor site of the intron after coding-DNA position 7552, G replaced by A.
Molecular consequence: splice donor variant.
Genome position (GRCh38, 1-based): chr17:11,769,330, G>A. VCF-style: chr17-11769330-G-A. GRCh37 (hg19) VCF-style: chr17-11672647-G-A.
Identifiers: ClinVar variation 2113380 (VCV002113380.4), dbSNP rs1483471573, ClinGen allele CA398190507.

ClinVar aggregate classification (germline): Likely pathogenic (1 of 4 stars; one submission).

Allele frequency attached by ClinVar (database versions not stated): gnomAD exomes below 0.00001.
gnomAD v4.1: 2 of 1,608,384 alleles (0.00012%); highest among the groups gnomAD compares: South Asian, 0.0011%; no homozygotes.

Submission:

Labcorp Genetics (formerly Invitae), Labcorp
Classification: Likely pathogenic. Last evaluated: 2022-04-08. Review status: criteria provided, single submitter. Criteria: Invitae Variant Classification Sherloc (09022015). Collection method: clinical testing. Allele origin: germline.
Comment: This sequence change affects a donor splice site in intron 38 of the DNAH9 gene. It is expected to disrupt RNA splicing. Variants that disrupt the donor or acceptor splice site typically lead to a loss of protein function (PMID: 16199547), and loss-of-function variants in DNAH9 are known to be pathogenic (PMID: 30471718). In summary, the currently available evidence indicates that the variant is pathogenic, but additional data are needed to prove that conclusively. Therefore, this variant has been classified as Likely Pathogenic. Algorithms developed to predict the effect of sequence changes on RNA splicing suggest that this variant may disrupt the consensus splice site. This variant has not been reported in the literature in individuals affected with DNAH9-related conditions. The frequency data for this variant in the population databases is considered unreliable, as metrics indicate poor data quality at this position in the gnomAD database.

Literature cited by the submitters: PubMed 16199547; PubMed 30471718.